The following is an entry in ClinVar:

ClinVar aggregate classification (germline): Benign. Review status: criteria provided, multiple submitters, no conflicts (2 of 4 stars). 3 submissions from 3 submitters: Benign (3). Last evaluated 2024-01-24.

Allele frequency attached by ClinVar (database versions not stated): gnomAD 0.79647 and 0.79504; TOPMed 0.80664; gnomAD exomes 0.73915; 1000 Genomes Project 0.84425; 1000 Genomes Project 30x 0.84603.
gnomAD v4.1: 617,712 of 824,162 alleles (75%); highest among the groups gnomAD compares: African/African-American, 93%; 233,643 homozygotes.

Submissions (3):

Unidad de Genómica Garrahan, Hospital de Pediatría Garrahan
Classification: Benign. Last evaluated: 2024-01-24. Review status: criteria provided, single submitter. Criteria: ACMG Guidelines, 2015. Collection method: clinical testing. Allele origin: germline. Affected: no. Observed: 91 variant alleles.
Comment: This variant is classified as Benign based on local population frequency. This variant was detected in 96% of patients studied by a panel of primary immunodeficiencies. Number of patients: 91. Only high quality variants are reported.

GeneDx
Classification: Benign. Last evaluated: 2018-06-29. Review status: criteria provided, single submitter. Criteria: GeneDx Variant Classification Process June 2021. Collection method: clinical testing. Allele origin: germline. Affected: yes.

Breakthrough Genomics
Classification: Benign. Review status: criteria provided, single submitter. Criteria: ACMG Guidelines, 2015. Collection method: not provided. Allele origin: germline. Inheritance: Autosomal recessive inheritance. Affected: yes.

NM_020964.3(EPG5):c.7443-86T>G

Gene: EPG5 (ectopic P-granules 5 autophagy tethering factor; minus strand). Cytogenetic location: 18q12.3.
Variant type: single nucleotide variant.
Coding change: c.7443-86T>G on transcript NM_020964.3 (MANE Select); 86 bases into the intron before coding-DNA position 7443, T replaced by G.
Molecular consequence: intron variant.
Genome position (GRCh38, 1-based): chr18:45,855,773, A>C on the plus strand (T>G on the coding strand, the complement: EPG5 is on the minus strand). VCF-style: chr18-45855773-A-C. GRCh37 (hg19) VCF-style: chr18-43435738-A-C.
Identifiers: ClinVar variation 1293084 (VCV001293084.5), dbSNP rs514001, ClinGen allele CA15916636.
Genomic context (GRCh38, chr18:45,855,773, plus strand): 5'-GAAGTAAATGGCTATTAAAGTAAGCATTTTGAAATAAACACCATATTTTCTATGACATAA[A>C]AAGATGAACACATTTCCAGATCTACTGTGTTGTTCACCTTCTCAGGAAAATCTTAAATAT-3'